The following is an entry in ClinVar:

NM_172107.4(KCNQ2):c.928-1G>C

Gene: KCNQ2 (potassium voltage-gated channel subfamily Q member 2; minus strand). Cytogenetic location: 20q13.33.
Variant type: single nucleotide variant.
Coding change: c.928-1G>C on transcript NM_172107.4 (MANE Select); the canonical splice acceptor site of the intron before coding-DNA position 928, G replaced by C.
Molecular consequence: splice acceptor variant.
Genome position (GRCh38, 1-based): chr20:63,438,721, C>G on the plus strand (G>C on the coding strand, the complement: KCNQ2 is on the minus strand). VCF-style: chr20-63438721-C-G. GRCh37 (hg19) VCF-style: chr20-62070074-C-G.
Other names: c.928-1G>C (NM_004518.6, NM_172108.5, NM_172106.3 and 2 more transcripts).
Identifiers: ClinVar variation 369773 (VCV000369773.2), dbSNP rs1057516102, ClinGen allele CA10654806.

ClinVar aggregate classification (germline): not provided (0 of 4 stars; one submission).

Conditions:
Seizures, benign familial neonatal, 1. Also called: KCNQ2-Related Benign Familial Neonatal Epilepsy; Benign Neonatal Epilepsy 1; KCNQ2-Related Self-Limited Familial Neonatal Epilepsy (SLFNE); Seizures, benign neonatal, 1. Identifiers: Orphanet 1949, MedGen C3149074, MONDO:0007365, OMIM 121200.

Submission:

GeneReviews
No classification provided. Condition: Seizures, benign familial neonatal, 1. Review status: no classification provided. Collection method: literature only. Allele origin: germline. Affected: yes.
Comment: BFNE (benign familial neonatal epilepsy)

Literature cited by the submitters: PubMed 24375629; NCBI Bookshelf NBK32534.